The following is an entry in ClinVar:

ClinVar aggregate classification (germline): Benign (3 of 4 stars; one submission).

Conditions:
Breast-ovarian cancer, familial, susceptibility to, 2 (BROVCA2). Also called: BRCA2 Hereditary Breast and Ovarian Cancer. Identifiers: Orphanet 145, MedGen C2675520, MONDO:0012933, OMIM 612555. Disease mechanism: loss of function.

Allele frequency attached by ClinVar (database versions not stated): gnomAD 0.03701 and 0.04099; TOPMed 0.04253; 1000 Genomes Project 0.07428; 1000 Genomes Project 30x 0.07464.
gnomAD v4.1: 6,241 of 152,154 alleles (4.1%); highest among the groups gnomAD compares: South Asian, 11%; 218 homozygotes.

Submission:

Evidence-based Network for the Interpretation of Germline Mutant Alleles (ENIGMA)
Classification: Benign for Breast-ovarian cancer, familial 2. Last evaluated: 2015-01-12. Review status: reviewed by expert panel. Criteria: ENIGMA BRCA1/2 Classification Criteria (2015). Collection method: curation. Allele origin: germline.
Comment: Class 1 not pathogenic based on frequency >1% in an outbred sampleset. Frequency 0.1084 (Asian), 0.02236 (African), 0.04354 (European), derived from 1000 genomes (2012-04-30).

NM_000059.4(BRCA2):c.631+680A>C

Gene: BRCA2 (BRCA2 DNA repair associated; plus strand). Cytogenetic location: 13q13.1.
Variant type: single nucleotide variant.
Coding change: c.631+680A>C on transcript NM_000059.4 (MANE Select); 680 bases into the intron after coding-DNA position 631, A replaced by C.
Molecular consequence: intron variant.
Genome position (GRCh38, 1-based): chr13:32,327,293, A>C. VCF-style: chr13-32327293-A-C. GRCh37 (hg19) VCF-style: chr13-32901430-A-C.
Other names: IVS 7+680A>C.
Identifiers: ClinVar variation 209655 (VCV000209655.1), dbSNP rs79990454, ClinGen allele CA276624.